The following is an entry in ClinVar:

ClinVar aggregate classification (germline): Conflicting classifications of pathogenicity. Review status: criteria provided, conflicting classifications (1 of 4 stars). 3 submissions from 3 submitters: Uncertain significance (2); Likely benign (1). Last evaluated 2022-11-03.

Conditions:
Inborn genetic diseases. Identifiers: MedGen C0950123, MeSH D030342.
Developmental delay with or without dysmorphic facies and autism. Identifiers: MedGen C5193106, MONDO:0032760, OMIM 618454.

Allele frequency attached by ClinVar (database versions not stated): gnomAD exomes below 0.00001; gnomAD 0.00001.
gnomAD v4.1: 5 of 1,614,108 alleles (0.00031%); highest among the groups gnomAD compares: Non-Finnish European, 0.00042%; no homozygotes.

Submissions (3):

Molecular Genetics, Royal Melbourne Hospital
Classification: Uncertain significance for Developmental delay with or without dysmorphic facies and autism. Last evaluated: 2022-11-03. Review status: criteria provided, single submitter. Criteria: ACMG Guidelines, 2015. Collection method: clinical testing. Allele origin: germline.
Comment: This sequence change in TRRAP is predicted to replace leucine with phenylalanine at codon 1177 (p.(Leu1177Phe)). The leucine residue is highly conserved (100 vertebrates, UCSC), and is not located in an annotated functional domain. However, it is located in a region significantly intolerant to missense changes and proximal to a developmental delay mutational hotspot (amino acids 1,013 - 1,059; PMID: 30827496). There is a small physicochemical difference between leucine and phenylalanine. This variant is present in a single European (non-finnish) individual from a neurological cohort (1/68,046 alleles) in gnomAD v3.1. To our knowledge, this variant has not been reported in the literature in any individuals with TRRAP-related disease. Multiple lines of computational evidence have conflicting predictions for the missense substitution (5/6 algorithms predict benign). Based on the classification scheme RMH Modified ACMG Guidelines v1.4.0, this variant is classified as a VARIANT OF UNCERTAIN SIGNIFICANCE. Following criteria are met: PM1, PM2_Supporting.

Blueprint Genetics
Classification: Likely benign. Last evaluated: 2022-05-17. Review status: criteria provided, single submitter. Criteria: ACMG Guidelines, 2015. Collection method: clinical testing. Allele origin: germline.

Ambry Genetics
Classification: Uncertain significance for Inborn genetic diseases. Last evaluated: 2021-09-30. Review status: criteria provided, single submitter. Criteria: Ambry Variant Classification Scheme 2023. Collection method: clinical testing. Allele origin: germline.

Literature cited by the submitters: PubMed 30827496 (cited by Molecular Genetics, Royal Melbourne Hospital).

NM_001375524.1(TRRAP):c.3529C>T (p.Leu1177Phe)

Gene: TRRAP (transformation/transcription domain associated protein; plus strand). Cytogenetic location: 7q22.1.
Variant type: single nucleotide variant.
Coding change: c.3529C>T on transcript NM_001375524.1 (MANE Select); coding-DNA position 3529, C replaced by T.
Protein change: p.Leu1177Phe; replaces leucine 1177 with phenylalanine.
Molecular consequence: missense variant.
Genome position (GRCh38, 1-based): chr7:98,930,768, C>T. VCF-style: chr7-98930768-C-T. GRCh37 (hg19) VCF-style: chr7-98528391-C-T.
Other names: c.3529C>T, p.Leu1177Phe (NM_001244580.2, NM_003496.4); c.3529C>T (NM_001244580.1); short protein forms L1177F.
Identifiers: ClinVar variation 1326974 (VCV001326974.7), dbSNP rs868949321, ClinGen allele CA368300266.
Genomic context (GRCh38, chr7:98,930,768, plus strand): 5'-AAGCTGGGGGGTGTGGTGTCTATTAAGTTTCTCATGGAGCGGCTGCCTCTCACTTGGGTT[C>T]TCCAGAACCAGCAGACATTCCTGAAAGCACTTCTCTTTGTCATGATGGACTTAACTGGAG-3'
Protein context (NP_001362453.1, residues 1167-1187): LMERLPLTWV[Leu1177Phe]QNQQTFLKAL